The following is an entry in ClinVar:

ClinVar aggregate classification (germline): Benign (1 of 4 stars; one submission).

Allele frequency attached by ClinVar (database versions not stated): TOPMed 0.39431; 1000 Genomes Project 30x 0.39834; gnomAD 0.39857 and 0.40476; 1000 Genomes Project 0.40515.
gnomAD v4.1: 61,736 of 151,974 alleles (41%); highest among the groups gnomAD compares: South Asian, 60%; 13,054 homozygotes.

Submission:

GeneDx
Classification: Benign. Last evaluated: 2018-06-19. Review status: criteria provided, single submitter. Criteria: GeneDx Variant Classification (06012015). Collection method: clinical testing. Allele origin: germline. Affected: yes.
Comment: This variant is considered likely benign or benign based on one or more of the following criteria: it is a conservative change, it occurs at a poorly conserved position in the protein, it is predicted to be benign by multiple in silico algorithms, and/or has population frequency not consistent with disease.

NM_001134363.3(RBM20):c.1668+264A>G

Gene: RBM20 (RNA binding motif protein 20; plus strand). Cytogenetic location: 10q25.2.
Variant type: single nucleotide variant.
Coding change: c.1668+264A>G on transcript NM_001134363.3 (MANE Select); 264 bases into the intron after coding-DNA position 1668, A replaced by G.
Molecular consequence: intron variant.
Genome position (GRCh38, 1-based): chr10:110,797,912, A>G. VCF-style: chr10-110797912-A-G. GRCh37 (hg19) VCF-style: chr10-112557670-A-G.
Identifiers: ClinVar variation 683749 (VCV000683749.1), dbSNP rs12359298, ClinGen allele CA15636670.